The following is an entry in ClinVar:

NM_016169.4(SUFU):c.879C>G (p.Ile293Met)

Gene: SUFU (SUFU negative regulator of hedgehog signaling; plus strand). Cytogenetic location: 10q24.32.
Variant type: single nucleotide variant.
Coding change: c.879C>G on transcript NM_016169.4 (MANE Select); coding-DNA position 879, C replaced by G.
Protein change: p.Ile293Met; replaces isoleucine 293 with methionine.
Molecular consequence: missense variant.
Genome position (GRCh38, 1-based): chr10:102,597,262, C>G. VCF-style: chr10-102597262-C-G. GRCh37 (hg19) VCF-style: chr10-104357019-C-G.
Other names: c.879C>G, p.Ile293Met (NM_001178133.2); short protein forms I293M.
Identifiers: ClinVar variation 4827219 (VCV004827219.1).
Genomic context (GRCh38, chr10:102,597,262, plus strand): 5'-TGCCTGGGATGACCTGAGCCGGCCCCCCGAGGATGACGAGGACAGCCGGAGCATCTGCAT[C>G]GGCACACAGCCCCGGCGACTCTCTGGCAAAGGTGGGAGCCATCACTCAGCATTCCACCAG-3'
Protein context (NP_057253.2, residues 283-303): EDDEDSRSIC[Ile293Met]GTQPRRLSGK

ClinVar aggregate classification (germline): Uncertain significance (1 of 4 stars; one submission).

Conditions:
Hereditary cancer-predisposing syndrome. Also called: Neoplastic Syndromes, Hereditary; Tumor predisposition; Hereditary Cancer Syndrome; Hereditary neoplastic syndrome. Identifiers: Orphanet 140162, MedGen C0027672, MeSH D009386, MONDO:0015356.

Submission:

Ambry Genetics
Classification: Uncertain significance for Hereditary cancer-predisposing syndrome. Last evaluated: 2026-03-03. Review status: criteria provided, single submitter. Criteria: Ambry Variant Classification Scheme 2023. Collection method: clinical testing. Allele origin: germline.
Comment: The p.I293M variant (also known as c.879C>G), located in coding exon 7 of the SUFU gene, results from a C to G substitution at nucleotide position 879. The isoleucine at codon 293 is replaced by methionine, an amino acid with highly similar properties. This amino acid position is conserved. In addition, this alteration is predicted to be tolerated by in silico analysis. Based on the available evidence, the clinical significance of this variant remains unclear.